The following is an entry in ClinVar:

NM_000548.5(TSC2):c.3149T>C (p.Phe1050Ser)

Gene: TSC2 (TSC complex subunit 2; plus strand). Cytogenetic location: 16p13.3.
Variant type: single nucleotide variant.
Coding change: c.3149T>C on transcript NM_000548.5 (MANE Select); coding-DNA position 3149, T replaced by C.
Protein change: p.Phe1050Ser; replaces phenylalanine 1050 with serine.
Molecular consequence: missense variant. On other transcripts: non-coding transcript variant (5).
Genome position (GRCh38, 1-based): chr16:2,079,293, T>C. VCF-style: chr16-2079293-T-C. GRCh37 (hg19) VCF-style: chr16-2129294-T-C.
Other names: c.3146T>C, p.Phe1049Ser (NM_001406664.1, NM_001406663.1); c.3017T>C, p.Phe1006Ser (NM_001406665.1, NM_001077183.3, NM_001370404.1); c.3110T>C, p.Phe1037Ser (NM_001406667.1); c.3107T>C, p.Phe1036Ser (NM_001406668.1); c.3038T>C, p.Phe1013Ser (NM_001406670.1); c.3008T>C, p.Phe1003Ser (NM_001406671.1); c.3005T>C, p.Phe1002Ser (NM_001406673.1); c.3002T>C, p.Phe1001Ser (NM_001406675.1); and 18 more; short protein forms F1000S, F1007S, F472S, F807S, F849S, F853S, F957S, F969S.
Identifiers: ClinVar variation 4556871 (VCV004556871.2).

ClinVar aggregate classification (germline): Uncertain significance (1 of 4 stars; one submission).

Conditions:
Hereditary cancer-predisposing syndrome. Also called: Neoplastic Syndromes, Hereditary; Tumor predisposition; Hereditary Cancer Syndrome; Hereditary neoplastic syndrome. Identifiers: Orphanet 140162, MedGen C0027672, MeSH D009386, MONDO:0015356.

Submission:

Ambry Genetics
Classification: Uncertain significance for Hereditary cancer-predisposing syndrome. Last evaluated: 2026-07-28. Review status: criteria provided, single submitter. Criteria: Ambry Variant Classification Scheme 2023. Collection method: clinical testing. Allele origin: germline.
Comment: The p.F1050S variant (also known as c.3149T>C), located in coding exon 27 of the TSC2 gene, results from a T to C substitution at nucleotide position 3149. The phenylalanine at codon 1050 is replaced by serine, an amino acid with highly dissimilar properties. This amino acid position is conserved. In addition, this alteration is predicted to be deleterious by in silico analysis. Based on the available evidence, the clinical significance of this variant remains unclear.